The following is an entry in ClinVar:

ClinVar aggregate classification (germline): Likely pathogenic (1 of 4 stars; one submission).

Conditions:
Familial thoracic aortic aneurysm and aortic dissection (TAAD). Also called: Thoracic aortic aneurysms and dissections. Identifiers: Orphanet 91387, MedGen C4707243, MONDO:0019625.

Submission:

Ambry Genetics
Classification: Likely pathogenic for Familial thoracic aortic aneurysm and aortic dissection. Last evaluated: 2025-08-01. Review status: criteria provided, single submitter. Criteria: Ambry Variant Classification Scheme 2023. Collection method: clinical testing. Allele origin: germline.
Comment: The p.G576D variant (also known as c.1727G>A), located in coding exon 24 of the COL3A1 gene, results from a G to A substitution at nucleotide position 1727. The glycine at codon 576 is replaced by aspartic acid, an amino acid with similar properties. The majority (approximately two-thirds) of COL3A1 mutations identified to date have involved the substitution of another amino acid for glycine within the triple-helical domain (Pepin MG et al. Genet Med. 2014;16(12):881-8; Frank M et al. Eur J Hum Genet. 2015;23(12):1657-64). This variant was reported in individual(s) with features consistent with vascular Ehlers-Danlos syndrome (Ambry internal data). Internal structural analysis indicates that this alteration disrupts the characteristic G-X-Y motif in the COL3A1 protein and inserts a bulky side chain into a sterically-constrained region (Bella J et al. Science. 1994;266:75-81; Hohenester E et al. Proc. Natl. Acad. Sci. U.S.A. 2008;105:18273-7; Ambry internal data). This amino acid position is highly conserved in available vertebrate species. In addition, this alteration is predicted to be deleterious by in silico analysis. This variant is considered to be rare based on population cohorts in the Genome Aggregation Database (gnomAD). Based on the majority of available evidence to date, this variant is likely to be pathogenic.

NM_000090.4(COL3A1):c.1727G>A (p.Gly576Asp)

Gene: COL3A1 (collagen type III alpha 1 chain; plus strand). Cytogenetic location: 2q32.2.
Variant type: single nucleotide variant.
Coding change: c.1727G>A on transcript NM_000090.4 (MANE Select); coding-DNA position 1727, G replaced by A.
Protein change: p.Gly576Asp; replaces glycine 576 with aspartic acid.
Molecular consequence: missense variant.
Genome position (GRCh38, 1-based): chr2:188,996,462, G>A. VCF-style: chr2-188996462-G-A. GRCh37 (hg19) VCF-style: chr2-189861188-G-A.
Other names: short protein forms G576D.
Identifiers: ClinVar variation 263581 (VCV000263581.7), dbSNP rs886038853, ClinGen allele CA10587530.